The following is an entry in ClinVar:

ClinVar aggregate classification (germline): Uncertain significance. Review status: criteria provided, multiple submitters, no conflicts (2 of 4 stars). 5 submissions from 5 submitters: Uncertain significance (5). Last evaluated 2025-09-02.

Conditions:
Cystinuria (CSNU). Also called: CYSTINURIA, TYPE I; CYSTINURIA, TYPE II; CYSTINURIA, TYPE III; Cystinuria, non-type I. Identifiers: Orphanet 214, MedGen C0010691, MONDO:0009067, OMIM 220100, HP:0003131.

Allele frequency attached by ClinVar (database versions not stated): 1000 Genomes Project 30x 0.00016; gnomAD exomes 0.00019; 1000 Genomes Project 0.00020; ExAC 0.00021; gnomAD 0.00025; TOPMed 0.00028; ESP Exome Variant Server 0.00054.
gnomAD v4.1: 421 of 1,613,480 alleles (0.026%); highest among the groups gnomAD compares: Middle Eastern, 0.15%; 1 homozygote.

Submissions (5):

Labcorp Genetics (formerly Invitae), Labcorp
Classification: Uncertain significance for Cystinuria. Last evaluated: 2025-09-02. Review status: criteria provided, single submitter. Criteria: Invitae Variant Classification Sherloc (09022015). Collection method: clinical testing. Allele origin: germline.
Comment: This sequence change replaces arginine, which is basic and polar, with glutamine, which is neutral and polar, at codon 227 of the SLC3A1 protein (p.Arg227Gln). This variant is present in population databases (rs142469446, gnomAD 0.04%). This variant has not been reported in the literature in individuals affected with SLC3A1-related conditions. ClinVar contains an entry for this variant (Variation ID: 895658). Invitae Evidence Modeling of protein sequence and biophysical properties (such as structural, functional, and spatial information, amino acid conservation, physicochemical variation, residue mobility, and thermodynamic stability) has been performed for this missense variant. However, the output from this modeling did not meet the statistical confidence thresholds required to predict the impact of this variant on SLC3A1 protein function. Algorithms developed to predict the effect of sequence changes on RNA splicing suggest that this variant may disrupt the consensus splice site. In summary, the available evidence is currently insufficient to determine the role of this variant in disease. Therefore, it has been classified as a Variant of Uncertain Significance.

Fulgent Genetics
Classification: Uncertain significance for Cystinuria. Last evaluated: 2024-05-31. Review status: criteria provided, single submitter. Criteria: ACMG Guidelines, 2015. Collection method: clinical testing. Allele origin: germline.

Blueprint Genetics
Classification: Uncertain significance. Last evaluated: 2024-02-02. Review status: criteria provided, single submitter. Criteria: ACMG Guidelines, 2015. Collection method: clinical testing. Allele origin: germline.

Revvity Omics, Revvity
Classification: Uncertain significance for Cystinuria. Last evaluated: 2021-05-03. Review status: criteria provided, single submitter. Criteria: ACMG Guidelines, 2015. Collection method: clinical testing. Allele origin: germline.

Illumina Laboratory Services, Illumina
Classification: Uncertain significance for Cystinuria. Last evaluated: 2018-01-13. Review status: criteria provided, single submitter. Criteria: ICSL Variant Classification Criteria 13 December 2019. Collection method: clinical testing. Allele origin: germline.

NM_000341.4(SLC3A1):c.680G>A (p.Arg227Gln)

Gene: SLC3A1 (solute carrier family 3 member 1; plus strand). Cytogenetic location: 2p21.
Variant type: single nucleotide variant.
Coding change: c.680G>A on transcript NM_000341.4 (MANE Select); coding-DNA position 680, G replaced by A.
Protein change: p.Arg227Gln; replaces arginine 227 with glutamine.
Molecular consequence: missense variant.
Genome position (GRCh38, 1-based): chr2:44,281,456, G>A. VCF-style: chr2-44281456-G-A. GRCh37 (hg19) VCF-style: chr2-44508595-G-A.
Other names: short protein forms R227Q.
Identifiers: ClinVar variation 895658 (VCV000895658.16), dbSNP rs142469446, ClinGen allele CA1640214.
Genomic context (GRCh38, chr2:44,281,456, plus strand): 5'-TAATCATCGATTTCATACCAAACCACACGAGTGATAAACATATTTGGTTTCAATTGAGTC[G>A]GACACGGACAGGAAAATATACTGATTATTATATCTGGCATGACTGTACCCATGAAAATGG-3'
Protein context (NP_000332.2, residues 217-237): SDKHIWFQLS[Arg227Gln]TRTGKYTDYY